The following is an entry in ClinVar:

NM_001042492.3(NF1):c.3940T>A (p.Trp1314Arg)

Gene: NF1 (neurofibromin 1; plus strand). Cytogenetic location: 17q11.2.
Variant type: single nucleotide variant.
Coding change: c.3940T>A on transcript NM_001042492.3 (MANE Select); coding-DNA position 3940, T replaced by A.
Protein change: p.Trp1314Arg; replaces tryptophan 1314 with arginine.
Molecular consequence: missense variant.
Genome position (GRCh38, 1-based): chr17:31,235,987, T>A. VCF-style: chr17-31235987-T-A. GRCh37 (hg19) VCF-style: chr17-29563005-T-A.
Other names: c.3940T>A, p.Trp1314Arg (NM_000267.4); short protein forms W1314R.
Identifiers: ClinVar variation 3634543 (VCV003634543.2).
Genomic context (GRCh38, chr17:31,235,987, plus strand): 5'-GCTACCTATCTACAAAAACTCCTGGATCCTTTATTACGAATTGTGATCACATCCTCTGAT[T>A]GGCAACATGTTAGCTTTGAAGTGGATCCTACCAGGTTTGTCATCTTTTCACATAGAACCG-3'
Protein context (NP_001035957.1, residues 1304-1324): LLRIVITSSD[Trp1314Arg]QHVSFEVDPT

ClinVar aggregate classification (germline): Uncertain significance (1 of 4 stars; one submission).

Conditions:
Neurofibromatosis, type 1 (NF1). Also called: VON RECKLINGHAUSEN DISEASE; Peripheral type neurofibromatosis; NEUROFIBROMATOSIS, TYPE I, SOMATIC; Neurofibromatosis, type I. Identifiers: Orphanet 636, MedGen C0027831, MONDO:0018975, OMIM 162200. Disease mechanism: loss of function.

Submission:

Labcorp Genetics (formerly Invitae), Labcorp
Classification: Uncertain significance for Neurofibromatosis, type 1. Last evaluated: 2024-06-18. Review status: criteria provided, single submitter. Criteria: Invitae Variant Classification Sherloc (09022015). Collection method: clinical testing. Allele origin: germline.
Comment: This sequence change replaces tryptophan, which is neutral and slightly polar, with arginine, which is basic and polar, at codon 1314 of the NF1 protein (p.Trp1314Arg). This variant is not present in population databases (gnomAD no frequency). This variant has not been reported in the literature in individuals affected with NF1-related conditions. Advanced modeling of protein sequence and biophysical properties (such as structural, functional, and spatial information, amino acid conservation, physicochemical variation, residue mobility, and thermodynamic stability) performed at Invitae indicates that this missense variant is not expected to disrupt NF1 protein function with a negative predictive value of 95%. In summary, the available evidence is currently insufficient to determine the role of this variant in disease. Therefore, it has been classified as a Variant of Uncertain Significance.